The following is an entry in ClinVar:

ClinVar aggregate classification (germline): Uncertain significance (1 of 4 stars; one submission).

Conditions:
3-Oxo-5 alpha-steroid delta 4-dehydrogenase deficiency (PPSH). Also called: MALE PSEUDOHERMAPHRODITISM DUE TO 5-ALPHA-REDUCTASE DEFICIENCY; 46,XY disorder of sex development due to 5-alpha-reductase 2 deficiency; PSEUDOVAGINAL PERINEOSCROTAL HYPOSPADIAS; FAMILIAL INCOMPLETE MALE PSEUDOHERMAPHRODITISM, TYPE 2. Identifiers: Orphanet 753, MedGen C0268297, MONDO:0009923, OMIM 264600. Disease mechanism: loss of function.

Allele frequency attached by ClinVar (database versions not stated): gnomAD 0.00001; gnomAD exomes 0.00001; TOPMed 0.00001.

Submission:

Labcorp Genetics (formerly Invitae), Labcorp
Classification: Uncertain significance for 3-Oxo-5 alpha-steroid delta 4-dehydrogenase deficiency. Last evaluated: 2023-10-29. Review status: criteria provided, single submitter. Criteria: Invitae Variant Classification Sherloc (09022015). Collection method: clinical testing. Allele origin: germline.
Comment: This sequence change replaces threonine, which is neutral and polar, with isoleucine, which is neutral and non-polar, at codon 95 of the SRD5A2 protein (p.Thr95Ile). The frequency data for this variant in the population databases is considered unreliable, as metrics indicate poor data quality at this position in the gnomAD database. This missense change has been observed in individual(s) with SRD5A2-related conditions (Invitae). In at least one individual the data is consistent with being in trans (on the opposite chromosome) from a pathogenic variant. Experimental studies and prediction algorithms are not available or were not evaluated, and the functional significance of this variant is currently unknown. In summary, the available evidence is currently insufficient to determine the role of this variant in disease. Therefore, it has been classified as a Variant of Uncertain Significance.

NM_000348.4(SRD5A2):c.284C>T (p.Thr95Ile)

Gene: SRD5A2 (steroid 5 alpha-reductase 2; minus strand). Cytogenetic location: 2p23.1.
Variant type: single nucleotide variant.
Coding change: c.284C>T on transcript NM_000348.4 (MANE Select); coding-DNA position 284, C replaced by T.
Protein change: p.Thr95Ile; replaces threonine 95 with isoleucine.
Molecular consequence: missense variant.
Genome position (GRCh38, 1-based): chr2:31,533,764, G>A on the plus strand (C>T on the coding strand, the complement: SRD5A2 is on the minus strand). VCF-style: chr2-31533764-G-A. GRCh37 (hg19) VCF-style: chr2-31758834-G-A.
Other names: short protein forms T95I.
Identifiers: ClinVar variation 2703694 (VCV002703694.3), dbSNP rs891598499, ClinGen allele CA45136786.